The following is an entry in ClinVar:

NM_182700.6(SP8):c.261T>C (p.Ala87=)

Gene: SP8 (Sp8 transcription factor; minus strand). Cytogenetic location: 7p21.1.
Variant type: single nucleotide variant.
Coding change: c.261T>C on transcript NM_182700.6 (MANE Select); coding-DNA position 261, T replaced by C.
Protein change: p.Ala87=; no amino-acid change (alanine 87 retained).
Molecular consequence: synonymous variant.
Genome position (GRCh38, 1-based): chr7:20,785,556, A>G on the plus strand (T>C on the coding strand, the complement: SP8 is on the minus strand). VCF-style: chr7-20785556-A-G. GRCh37 (hg19) VCF-style: chr7-20825175-A-G.
Other names: c.207T>C, p.Ala69= (NM_198956.4).
Identifiers: ClinVar variation 3041751 (VCV003041751.2), dbSNP rs774244201, ClinGen allele CA4177971.

ClinVar aggregate classification (germline): Likely benign (0 of 4 stars; one submission).

Conditions:
SP8-related disorder. Also called: SP8-related condition.

gnomAD v4.1: 62 of 1,336,176 alleles (0.0046%); highest among the groups gnomAD compares: Middle Eastern, 0.059%; no homozygotes.

Submission:

PreventionGenetics, part of Exact Sciences
Classification: Likely benign for SP8-related condition. Last evaluated: 2019-11-04. Review status: no assertion criteria provided. Collection method: clinical testing. Allele origin: germline.
Comment: This variant is classified as likely benign based on ACMG/AMP sequence variant interpretation guidelines (Richards et al. 2015 PMID: 25741868, with internal and published modifications).